The following is an entry in ClinVar:

ClinVar aggregate classification (germline): Uncertain significance (1 of 4 stars; one submission).

gnomAD v4.1: 6 of 1,613,732 alleles (0.00037%); highest among the groups gnomAD compares: Non-Finnish European, 0.00051%; no homozygotes.

Submission:

GeneDx
Classification: Uncertain significance. Last evaluated: 2025-04-15. Review status: criteria provided, single submitter. Criteria: GeneDx Variant Classification Process June 2021. Collection method: clinical testing. Allele origin: germline. Affected: yes.
Comment: Not observed at significant frequency in large population cohorts (gnomAD); Canonical splice site variant with an unclear effect on protein function; Has not been previously published as pathogenic or benign to our knowledge

NM_144687.4(NLRP12):c.3098+2T>C

Gene: NLRP12 (NLR family pyrin domain containing 12; minus strand). Cytogenetic location: 19q13.42.
Variant type: single nucleotide variant.
Coding change: c.3098+2T>C on transcript NM_144687.4 (MANE Select); the canonical splice donor site of the intron after coding-DNA position 3098, T replaced by C.
Molecular consequence: splice donor variant.
Genome position (GRCh38, 1-based): chr19:53,795,857, A>G on the plus strand (T>C on the coding strand, the complement: NLRP12 is on the minus strand). VCF-style: chr19-53795857-A-G. GRCh37 (hg19) VCF-style: chr19-54299111-A-G.
Other names: c.2927+2T>C (NM_001277129.1); c.3101+2T>C (NM_001277126.2).
Identifiers: ClinVar variation 4282200 (VCV004282200.1).